The following is an entry in ClinVar:

NM_004656.4(BAP1):c.960C>T (p.Cys320=)

Gene: BAP1 (BRCA1 associated deubiquitinase 1; minus strand). Cytogenetic location: 3p21.1.
Variant type: single nucleotide variant.
Coding change: c.960C>T on transcript NM_004656.4 (MANE Select); coding-DNA position 960, C replaced by T.
Protein change: p.Cys320=; no amino-acid change (cysteine 320 retained).
Molecular consequence: synonymous variant.
Genome position (GRCh38, 1-based): chr3:52,405,266, G>A on the plus strand (C>T on the coding strand, the complement: BAP1 is on the minus strand). VCF-style: chr3-52405266-G-A. GRCh37 (hg19) VCF-style: chr3-52439282-G-A.
Other names: c.960C>T (LRG_529t1).
Identifiers: ClinVar variation 240070 (VCV000240070.32), dbSNP rs143659795, ClinGen allele CA2436946.

ClinVar aggregate classification (germline): Benign/Likely benign. Review status: criteria provided, multiple submitters, no conflicts (2 of 4 stars). 15 submissions from 14 submitters: Benign (7); Likely benign (6). 2 of the submissions do not count toward it. Last evaluated 2026-02-04.

Conditions:
Melanoma, uveal, susceptibility to, 2 (UVM2). Also called: Melanoma, uveal 2. Identifiers: Orphanet 39044, MedGen C1847723, MONDO:0011696, OMIM 606661.
Hereditary cancer-predisposing syndrome. Also called: Hereditary Cancer Syndrome; Tumor predisposition; Hereditary neoplastic syndrome; Neoplastic Syndromes, Hereditary. Identifiers: Orphanet 140162, MedGen C0027672, MeSH D009386, MONDO:0015356.
BAP1-related tumor predisposition syndrome (TPDS1). Also called: COMMON Syndrome; Tumor susceptibility linked to germline BAP1 mutations; TUMOR PREDISPOSITION SYNDROME 1; BAP1 tumor predisposition syndrome. Identifiers: Orphanet 289539, MedGen C3280492, MONDO:0013692, OMIM 614327.

Allele frequency attached by ClinVar (database versions not stated): gnomAD exomes 0.00025 and 0.00059; ExAC 0.00067; 1000 Genomes Project 0.00200; 1000 Genomes Project 30x 0.00203; TOPMed 0.00218; gnomAD 0.00219 and 0.00234; ESP Exome Variant Server 0.00261.
gnomAD v4.1: 705 of 1,613,808 alleles (0.044%); highest among the groups gnomAD compares: African/African-American, 0.73%; 2 homozygotes.

Submissions (15):

Labcorp Genetics (formerly Invitae), Labcorp
Classification: Benign for BAP1-related tumor predisposition syndrome. Last evaluated: 2026-02-04. Review status: criteria provided, single submitter. Criteria: Invitae Variant Classification Sherloc (09022015). Collection method: clinical testing. Allele origin: germline.

Center for Genomic Medicine, Rigshospitalet, Copenhagen University Hospital
Classification: Likely benign. Last evaluated: 2025-12-29. Review status: criteria provided, single submitter. Criteria: ACMG Guidelines, 2015. Collection method: clinical testing. Allele origin: germline.

KCCC/NGS Laboratory, Kuwait Cancer Control Center
Classification: Benign for BAP1-related tumor predisposition syndrome. Last evaluated: 2025-02-01. Review status: criteria provided, single submitter. Criteria: ACMG Guidelines, 2015. Collection method: clinical testing. Allele origin: germline. Affected: no.

Blueprint Genetics
Classification: Likely benign. Last evaluated: 2024-11-14. Review status: criteria provided, single submitter. Criteria: ACMG Guidelines, 2015. Collection method: clinical testing. Allele origin: germline.

Myriad Genetics, Inc.
Classification: Benign for BAP1-related tumor predisposition syndrome. Last evaluated: 2024-07-15. Review status: criteria provided, single submitter. Criteria: Myriad Autosomal Dominant, Autosomal Recessive and X-Linked Classification Criteria (2023). Collection method: clinical testing. Allele origin: unknown.
Comment: This variant is considered benign. This variant is a silent/synonymous amino acid change and it is not expected to impact splicing.

Department of Pathology and Laboratory Medicine, Sinai Health System
Classification: Likely benign for BAP1-related tumor predisposition syndrome. Last evaluated: 2024-05-22. Review status: criteria provided, single submitter. Criteria: ACMG Guidelines, 2015. Collection method: clinical testing. Allele origin: germline. Affected: yes.

KCCC/NGS Laboratory, Kuwait Cancer Control Center
Classification: Benign for Melanoma, uveal, susceptibility to, 2. Last evaluated: 2023-07-07. Review status: criteria provided, single submitter. Criteria: ACMG Guidelines, 2015. Collection method: clinical testing. Allele origin: germline. Affected: yes.

Genetic Services Laboratory, University of Chicago
Classification: Likely benign. Last evaluated: 2021-11-30. Review status: criteria provided, single submitter. Criteria: ACMG Guidelines, 2015. Collection method: clinical testing. Allele origin: germline. Affected: no.

Sema4
Classification: Benign for Hereditary cancer-predisposing syndrome. Last evaluated: 2021-09-16. Review status: criteria provided, single submitter. Criteria: Sema4 Curation Guidelines. Collection method: curation. Allele origin: germline.

Illumina Laboratory Services, Illumina
Classification: Benign for BAP1-related tumor predisposition syndrome. Last evaluated: 2018-01-13. Review status: criteria provided, single submitter. Criteria: ICSL Variant Classification Criteria 13 December 2019. Collection method: clinical testing. Allele origin: germline.
Comment: This variant was observed in the ICSL laboratory as part of a predisposition screen in an ostensibly healthy population. It had not been previously curated by ICSL or reported in the Human Gene Mutation Database (HGMD: prior to June 1st, 2018), and was therefore a candidate for classification through an automated scoring system. Utilizing variant allele frequency, disease prevalence and penetrance estimates, and inheritance mode, an automated score was calculated to assess if this variant is too frequent to cause the disease. Based on the score and internal cut-off values, a variant classified as benign is not then subjected to further curation. The score for this variant resulted in a classification of benign for this disease.

GeneDx
Classification: Likely benign. Last evaluated: 2018-01-09. Review status: criteria provided, single submitter. Criteria: GeneDx Variant Classification (06012015). Collection method: clinical testing. Allele origin: germline. Affected: yes.
Comment: This variant is considered likely benign or benign based on one or more of the following criteria: it is a conservative change, it occurs at a poorly conserved position in the protein, it is predicted to be benign by multiple in silico algorithms, and/or has population frequency not consistent with disease.

Color Diagnostics, LLC DBA Color Health
Classification: Benign for Hereditary cancer-predisposing syndrome. Last evaluated: 2016-03-09. Review status: criteria provided, single submitter. Criteria: ACMG Guidelines, 2015. Collection method: clinical testing. Allele origin: germline.

Ambry Genetics
Classification: Likely benign for Hereditary cancer-predisposing syndrome. Last evaluated: 2015-06-28. Review status: criteria provided, single submitter. Criteria: Ambry Variant Classification Scheme 2023. Collection method: clinical testing. Allele origin: germline.

Genome Diagnostics Laboratory, Amsterdam University Medical Center
Classification: Likely benign. Review status: no assertion criteria provided. Collection method: clinical testing. Allele origin: germline. Affected: yes. Study: VKGL Data-share Consensus. Not counted in ClinVar's aggregate classification.

Joint Genome Diagnostic Labs from Nijmegen and Maastricht, Radboudumc and MUMC+
Classification: Likely benign. Review status: no assertion criteria provided. Collection method: clinical testing. Allele origin: germline. Affected: yes. Study: VKGL Data-share Consensus. Not counted in ClinVar's aggregate classification.